The following is an entry in ClinVar:

NM_001330078.2(NRXN1):c.142G>T (p.Ala48Ser)

Gene: NRXN1 (neurexin 1; minus strand). Cytogenetic location: 2p16.3.
Variant type: single nucleotide variant.
Coding change: c.142G>T on transcript NM_001330078.2 (MANE Select); coding-DNA position 142, G replaced by T.
Protein change: p.Ala48Ser; replaces alanine 48 with serine.
Molecular consequence: missense variant.
Genome position (GRCh38, 1-based): chr2:51,028,132, C>A on the plus strand (G>T on the coding strand, the complement: NRXN1 is on the minus strand). VCF-style: chr2-51028132-C-A. GRCh37 (hg19) VCF-style: chr2-51255270-C-A.
Other names: c.142G>T, p.Ala48Ser (NM_001135659.3, NM_001330077.2, NM_001330079.2 and 15 more transcripts); c.142G>T (NM_001135659.1); short protein forms A48S.
Identifiers: ClinVar variation 2816313 (VCV002816313.4), dbSNP rs1456330432, ClinGen allele CA346824615.

ClinVar aggregate classification (germline): Uncertain significance. Review status: criteria provided, multiple submitters, no conflicts (2 of 4 stars). 2 submissions from 2 submitters: Uncertain significance (2). Last evaluated 2025-12-24.

Conditions:
Inborn genetic diseases. Identifiers: MedGen C0950123, MeSH D030342.
Pitt-Hopkins-like syndrome 2 (PTHSL2). Identifiers: Orphanet 221150, Orphanet 600663, MedGen C3280479, MONDO:0013690, OMIM 614325.

gnomAD v4.1: 1 of 1,562,488 alleles (0.000064%); highest among the groups gnomAD compares: Admixed American, 0.0018%; no homozygotes.

Submissions (2):

Ambry Genetics
Classification: Uncertain significance for Inborn genetic diseases. Last evaluated: 2025-12-24. Review status: criteria provided, single submitter. Criteria: Ambry Variant Classification Scheme 2023. Collection method: clinical testing. Allele origin: germline.

Labcorp Genetics (formerly Invitae), Labcorp
Classification: Uncertain significance for Pitt-Hopkins-like syndrome 2. Last evaluated: 2024-05-13. Review status: criteria provided, single submitter. Criteria: Invitae Variant Classification Sherloc (09022015). Collection method: clinical testing. Allele origin: germline.
Comment: This sequence change replaces alanine, which is neutral and non-polar, with serine, which is neutral and polar, at codon 48 of the NRXN1 protein (p.Ala48Ser). This variant is not present in population databases (gnomAD no frequency). This variant has not been reported in the literature in individuals affected with NRXN1-related conditions. An algorithm developed to predict the effect of missense changes on protein structure and function (PolyPhen-2) suggests that this variant is likely to be disruptive. In summary, the available evidence is currently insufficient to determine the role of this variant in disease. Therefore, it has been classified as a Variant of Uncertain Significance.